The following is an entry in ClinVar:

ClinVar aggregate classification (germline): Likely benign. Review status: criteria provided, multiple submitters, no conflicts (2 of 4 stars). 4 submissions from 4 submitters: Likely benign (4). Last evaluated 2026-01-26.

Conditions:
Lymphangiomyomatosis (LAM). Also called: Lymphangioleiomyomatosis; Lymphangioleiomyomatosis, somatic. Identifiers: Orphanet 538, MedGen C0751674, MONDO:0011705, OMIM 606690.
Tuberous sclerosis 2 (TSC2). Identifiers: Orphanet 805, MedGen C1860707, MONDO:0013199, OMIM 613254.
Isolated focal cortical dysplasia type II (FCORD2). Also called: CORTICAL DYSPLASIA OF TAYLOR; Focal cortical dysplasia type II. Identifiers: Orphanet 268994, MedGen C1846385, MONDO:0011818, OMIM 607341, HP:0032051.

gnomAD v4.1: 4 of 1,613,188 alleles (0.00025%); highest among the groups gnomAD compares: Non-Finnish European, 0.00034%; no homozygotes.

Submissions (4):

Labcorp Genetics (formerly Invitae), Labcorp
Classification: Likely benign for Tuberous sclerosis 2. Last evaluated: 2026-01-26. Review status: criteria provided, single submitter. Criteria: Invitae Variant Classification Sherloc (09022015). Collection method: clinical testing. Allele origin: germline.

Myriad Genetics, Inc.
Classification: Likely benign for Tuberous sclerosis 2. Last evaluated: 2025-05-15. Review status: criteria provided, single submitter. Criteria: Myriad Autosomal Dominant, Autosomal Recessive and X-Linked Classification Criteria (2023). Collection method: clinical testing. Allele origin: unknown.
Comment: This variant is considered likely benign. This variant is intronic and is not expected to impact mRNA splicing.

Fulgent Genetics
Classification: Likely benign for Lymphangiomyomatosis; Isolated focal cortical dysplasia type II; Tuberous sclerosis 2. Last evaluated: 2022-04-25. Review status: criteria provided, single submitter. Criteria: ACMG Guidelines, 2015. Collection method: clinical testing. Allele origin: unknown.

GeneDx
Classification: Likely benign. Last evaluated: 2017-10-27. Review status: criteria provided, single submitter. Criteria: GeneDx Variant Classification (06012015). Collection method: clinical testing. Allele origin: germline. Affected: yes.
Comment: This variant is considered likely benign or benign based on one or more of the following criteria: it is a conservative change, it occurs at a poorly conserved position in the protein, it is predicted to be benign by multiple in silico algorithms, and/or has population frequency not consistent with disease.

NM_000548.5(TSC2):c.1717-20G>T

Gene: TSC2 (TSC complex subunit 2; plus strand). Cytogenetic location: 16p13.3.
Variant type: single nucleotide variant.
Coding change: c.1717-20G>T on transcript NM_000548.5 (MANE Select); 20 bases into the intron before coding-DNA position 1717, G replaced by T.
Molecular consequence: intron variant.
Genome position (GRCh38, 1-based): chr16:2,070,436, G>T. VCF-style: chr16-2070436-G-T. GRCh37 (hg19) VCF-style: chr16-2120437-G-T.
Other names: c.1717-20G>T (NM_001114382.3, NM_021055.3, NM_001370405.1 and 3 more transcripts); c.1606-20G>T (NM_001318827.2); c.1117-20G>T (NM_001318831.2); c.1570-20G>T (NM_001318829.2); c.1750-20G>T (NM_001318832.2).
Identifiers: ClinVar variation 512894 (VCV000512894.11), dbSNP rs1555505006, ClinGen allele CA658798482.